The following is an entry in ClinVar:

ClinVar aggregate classification (germline): Conflicting classifications of pathogenicity. Review status: criteria provided, conflicting classifications (1 of 4 stars). 5 submissions from 5 submitters: Uncertain significance (2); Benign (1); Likely benign (1). 1 of the submissions does not count toward it. Last evaluated 2026-01-11.

Conditions:
PSEN1-related disorder. Also called: PSEN1-related condition.
Pick disease. Also called: Pick Disease of the Brain; DEMENTIA WITH LOBAR ATROPHY AND NEURONAL CYTOPLASMIC INCLUSIONS; LOBAR ATROPHY OF BRAIN; Pick's disease; PICK DISEASE OF BRAIN. Identifiers: Orphanet 282, MedGen C0236642, MONDO:0008243, OMIM 172700.
Dilated cardiomyopathy 1U. Identifiers: Orphanet 154, MedGen C3160720, MONDO:0013371, OMIM 613694.
Acne inversa, familial, 3 (ACNINV3). Identifiers: MedGen C3151038, MONDO:0013398, OMIM 613737.
Alzheimer disease 3 (AD3). Also called: ALZHEIMER DISEASE, FAMILIAL, 3. Identifiers: Orphanet 1020, MedGen C1843013, MONDO:0011913, OMIM 607822.
Frontotemporal dementia (FTD1). Also called: Frontotemporal Dementia with Parkinsonism-17 (FTDP-17); Frontotemporal lobe dementia (FLDEM); FRONTOTEMPORAL DEMENTIA WITH PARKINSONISM; FRONTOTEMPORAL LOBE DEMENTIA; FRONTOTEMPORAL LOBAR DEGENERATION WITH TAU INCLUSIONS; FTLD WITH TAU INCLUSIONS. Identifiers: Orphanet 282, MedGen C0338451, MONDO:0017276, OMIM 600274, HP:0002145.

Allele frequency attached by ClinVar (database versions not stated): gnomAD exomes 0.00003 and 0.00006; ExAC 0.00007; gnomAD 0.00008 and 0.00009; TOPMed 0.00011.
gnomAD v4.1: 64 of 1,613,650 alleles (0.004%); highest among the groups gnomAD compares: Middle Eastern, 0.016%; no homozygotes.

Submissions (5):

Labcorp Genetics (formerly Invitae), Labcorp
Classification: Likely benign for Alzheimer disease 3; Pick disease; Acne inversa, familial, 3; Frontotemporal dementia. Last evaluated: 2026-01-11. Review status: criteria provided, single submitter. Criteria: Invitae Variant Classification Sherloc (09022015). Collection method: clinical testing. Allele origin: germline.

Athena Diagnostics
Classification: Benign. Last evaluated: 2024-05-21. Review status: criteria provided, single submitter. Criteria: Athena Diagnostics Criteria. Collection method: clinical testing. Allele origin: unknown.

Fulgent Genetics
Classification: Uncertain significance for Pick disease; Frontotemporal dementia; Alzheimer disease 3; Dilated cardiomyopathy 1U; Acne inversa, familial, 3. Last evaluated: 2021-10-04. Review status: criteria provided, single submitter. Criteria: ACMG Guidelines, 2015. Collection method: clinical testing. Allele origin: unknown.

Breakthrough Genomics
Classification: Uncertain significance. Review status: criteria provided, single submitter. Criteria: ACMG Guidelines, 2015. Collection method: not provided. Allele origin: germline. Inheritance: Autosomal dominant inheritance. Affected: yes.

PreventionGenetics, part of Exact Sciences
Classification: Likely benign for PSEN1-related condition. Last evaluated: 2023-12-31. Review status: no assertion criteria provided. Collection method: clinical testing. Allele origin: germline. Not counted in ClinVar's aggregate classification.
Comment: This variant is classified as likely benign based on ACMG/AMP sequence variant interpretation guidelines (Richards et al. 2015 PMID: 25741868, with internal and published modifications).

NM_000021.4(PSEN1):c.1377A>G (p.Gln459=)

Gene: PSEN1 (presenilin 1; plus strand). Cytogenetic location: 14q24.2.
Variant type: single nucleotide variant.
Coding change: c.1377A>G on transcript NM_000021.4 (MANE Select); coding-DNA position 1377, A replaced by G.
Protein change: p.Gln459=; no amino-acid change (glutamine 459 retained).
Molecular consequence: synonymous variant.
Genome position (GRCh38, 1-based): chr14:73,219,262, A>G. VCF-style: chr14-73219262-A-G. GRCh37 (hg19) VCF-style: chr14-73685970-A-G.
Other names: c.1365A>G, p.Gln455= (NM_007318.3); c.1377A>G (NM_000021.3).
Identifiers: ClinVar variation 1518360 (VCV001518360.11), dbSNP rs201496204, ClinGen allele CA7256976.